The following is an entry in ClinVar:

NM_000204.5(CFI):c.142T>C (p.Cys48Arg)

Gene: CFI (complement factor I; minus strand). Cytogenetic location: 4q25.
Variant type: single nucleotide variant.
Coding change: c.142T>C on transcript NM_000204.5 (MANE Select); coding-DNA position 142, T replaced by C.
Protein change: p.Cys48Arg; replaces cysteine 48 with arginine.
Molecular consequence: missense variant. On other transcripts: non-coding transcript variant (3), intron variant (1).
Genome position (GRCh38, 1-based): chr4:109,766,740, A>G on the plus strand (T>C on the coding strand, the complement: CFI is on the minus strand). VCF-style: chr4-109766740-A-G. GRCh37 (hg19) VCF-style: chr4-110687896-A-G.
Other names: c.142T>C, p.Cys48Arg (NM_001318057.2, NM_001331035.2, NM_001375278.1 and 5 more transcripts); c.-127-5048T>C (NM_001375284.1); short protein forms C48R.
Identifiers: ClinVar variation 1345422 (VCV001345422.6), dbSNP rs917781030, ClinGen allele CA103698328.

ClinVar aggregate classification (germline): Uncertain significance (1 of 4 stars; one submission).

Allele frequency attached by ClinVar (database versions not stated): gnomAD exomes below 0.00001; gnomAD 0.00001.
gnomAD v4.1: 3 of 1,614,114 alleles (0.00019%); highest among the groups gnomAD compares: Non-Finnish European, 0.00025%; no homozygotes.

Submission:

Labcorp Genetics (formerly Invitae), Labcorp
Classification: Uncertain significance. Last evaluated: 2021-09-11. Review status: criteria provided, single submitter. Criteria: Invitae Variant Classification Sherloc (09022015). Collection method: clinical testing. Allele origin: germline.
Comment: This variant has not been reported in the literature in individuals affected with CFI-related conditions. This sequence change replaces cysteine with arginine at codon 48 of the CFI protein (p.Cys48Arg). The cysteine residue is highly conserved and there is a large physicochemical difference between cysteine and arginine. This variant is not present in population databases (ExAC no frequency). Advanced modeling of protein sequence and biophysical properties (such as structural, functional, and spatial information, amino acid conservation, physicochemical variation, residue mobility, and thermodynamic stability) performed at Invitae indicates that this missense variant is expected to disrupt CFI protein function. In summary, the available evidence is currently insufficient to determine the role of this variant in disease. Therefore, it has been classified as a Variant of Uncertain Significance.